The following is an entry in ClinVar:

ClinVar aggregate classification (germline): Uncertain significance (1 of 4 stars; one submission).

Conditions:
Neurodevelopmental disorder with or without early-onset generalized epilepsy. Identifiers: MedGen C5436914, MONDO:0030930, OMIM 619157.

gnomAD v4.1: 1 of 1,585,360 alleles (0.000063%); highest among the groups gnomAD compares: Non-Finnish European, 0.000086%; no homozygotes.

Submission:

Laboratorio de Genetica e Diagnostico Molecular, Hospital Israelita Albert Einstein
Classification: Uncertain significance for Neurodevelopmental disorder with or without early-onset generalized epilepsy. Last evaluated: 2024-09-27. Review status: criteria provided, single submitter. Criteria: ACMG Guidelines, 2015. Collection method: clinical testing. Allele origin: germline. Affected: yes.
Comment: ACMG classification criteria: PM2 supporting, PP2 supporting, BP4 supporting

NM_001385012.1(NBEA):c.4105T>C (p.Phe1369Leu)

Gene: NBEA (neurobeachin; plus strand). Cytogenetic location: 13q13.3.
Variant type: single nucleotide variant.
Coding change: c.4105T>C on transcript NM_001385012.1 (MANE Select); coding-DNA position 4105, T replaced by C.
Protein change: p.Phe1369Leu; replaces phenylalanine 1369 with leucine.
Molecular consequence: missense variant.
Genome position (GRCh38, 1-based): chr13:35,164,381, T>C. VCF-style: chr13-35164381-T-C. GRCh37 (hg19) VCF-style: chr13-35738518-T-C.
Other names: c.4105T>C, p.Phe1369Leu (NM_001379245.1, NM_015678.5); short protein forms F1369L.
Identifiers: ClinVar variation 4056640 (VCV004056640.1).